The following is an entry in ClinVar:

ClinVar aggregate classification (germline): Likely pathogenic. Review status: criteria provided, multiple submitters, no conflicts (2 of 4 stars). 3 submissions from 3 submitters: Likely pathogenic (3). Last evaluated 2026-09-22.

Conditions:
TRIOBP-related disorder. Also called: TRIOBP-related condition.
Autosomal recessive nonsyndromic hearing loss 28. Identifiers: Orphanet 90636, MedGen C1853276, MONDO:0012355, OMIM 609823.

Allele frequency attached by ClinVar (database versions not stated): gnomAD 0.00009 and 0.00011; gnomAD exomes 0.00014 and 0.00003; ESP Exome Variant Server 0.00024; ExAC 0.00003.

Submissions (3):

GeneDx
Classification: Likely pathogenic. Last evaluated: 2026-09-22. Review status: criteria provided, single submitter. Criteria: GeneDx Variant Classification Process June 2021. Collection method: clinical testing. Allele origin: germline.
Comment: Nonsense variant predicted to result in protein truncation or nonsense mediated decay in a gene for which loss of function is a known mechanism of disease; Not observed at significant frequency in large population cohorts (gnomAD); Has not been previously published as pathogenic or benign to our knowledge

PreventionGenetics, part of Exact Sciences
Classification: Likely pathogenic for TRIOBP-related condition. Last evaluated: 2025-08-10. Review status: criteria provided, single submitter. Criteria: ACMG Guidelines, 2015. Collection method: clinical testing. Allele origin: germline.
Comment: The TRIOBP c.163C>T variant is predicted to result in premature protein termination (p.Arg55*). To our knowledge, this variant has not been reported in the literature. This variant is reported in 0.0058% of alleles in individuals of Latino descent in gnomAD. Nonsense variants in TRIOBP are expected to be pathogenic. This variant is interpreted as likely pathogenic.

Genomic Medicine Center of Excellence, King Faisal Specialist Hospital and Research Centre
Classification: Likely pathogenic for Autosomal recessive nonsyndromic hearing loss 28. Last evaluated: 2024-12-19. Review status: criteria provided, single submitter. Criteria: ACMG Guidelines, 2015. Collection method: clinical testing. Allele origin: germline.

NM_001039141.3(TRIOBP):c.163C>T (p.Arg55Ter)

Gene: TRIOBP (TRIO and F-actin binding protein; plus strand). Cytogenetic location: 22q13.1.
Variant type: single nucleotide variant.
Coding change: c.163C>T on transcript NM_001039141.3 (MANE Select); coding-DNA position 163, C replaced by T.
Protein change: p.Arg55Ter; replaces arginine 55 with a stop codon.
Molecular consequence: nonsense.
Genome position (GRCh38, 1-based): chr22:37,710,475, C>T. VCF-style: chr22-37710475-C-T. GRCh37 (hg19) VCF-style: chr22-38106482-C-T.
Other names: short protein forms R55*.
Identifiers: ClinVar variation 1200524 (VCV001200524.9), dbSNP rs369119867, ClinGen allele CA10223264.
Genomic context (GRCh38, chr22:37,710,475, plus strand): 5'-ACCCTGGCCCAGGAGCTCAGGAGCCCTTCAGGTGCTGAGGTGCCCTACTGCGACCTGCCT[C>T]GATGTCCACCTGCCCCTGAGGACCCACTCAGCGCCTCAACCTCCGGCTGCCAGTCTGTGG-3'